The following is an entry in ClinVar:

ClinVar aggregate classification (germline): Uncertain significance (1 of 4 stars; one submission).

Conditions:
Autosomal dominant spastic paraplegia type 9. Identifiers: MedGen C1832669, MONDO:0015091.
de Barsy syndrome. Also called: Cutis laxa-corneal clouding-oligophrenia syndrome. Identifiers: Orphanet 2962, MedGen C0268354, MONDO:0017569.
Cutis laxa, autosomal dominant 3 (ADCL3). Identifiers: Orphanet 90348, MedGen C4225268, MONDO:0014706, OMIM 616603.

Allele frequency attached by ClinVar (database versions not stated): gnomAD exomes below 0.00001.
gnomAD v4.1: 1 of 1,614,116 alleles (0.000062%); highest among the groups gnomAD compares: Admixed American, 0.0017%; no homozygotes.

Submission:

Labcorp Genetics (formerly Invitae), Labcorp
Classification: Uncertain significance for Autosomal dominant spastic paraplegia type 9; de Barsy syndrome; Cutis laxa, autosomal dominant 3. Last evaluated: 2023-07-10. Review status: criteria provided, single submitter. Criteria: Invitae Variant Classification Sherloc (09022015). Collection method: clinical testing. Allele origin: germline.
Comment: This sequence change replaces leucine, which is neutral and non-polar, with serine, which is neutral and polar, at codon 780 of the ALDH18A1 protein (p.Leu780Ser). This variant is not present in population databases (gnomAD no frequency). In summary, the available evidence is currently insufficient to determine the role of this variant in disease. Therefore, it has been classified as a Variant of Uncertain Significance. Advanced modeling of protein sequence and biophysical properties (such as structural, functional, and spatial information, amino acid conservation, physicochemical variation, residue mobility, and thermodynamic stability) performed at Invitae indicates that this missense variant is not expected to disrupt ALDH18A1 protein function. ClinVar contains an entry for this variant (Variation ID: 2184599). This variant has not been reported in the literature in individuals affected with ALDH18A1-related conditions.

NM_002860.4(ALDH18A1):c.2339T>C (p.Leu780Ser)

Gene: ALDH18A1 (aldehyde dehydrogenase 18 family member A1; minus strand). Cytogenetic location: 10q24.1.
Variant type: single nucleotide variant.
Coding change: c.2339T>C on transcript NM_002860.4 (MANE Select); coding-DNA position 2339, T replaced by C.
Protein change: p.Leu780Ser; replaces leucine 780 with serine.
Molecular consequence: missense variant.
Genome position (GRCh38, 1-based): chr10:95,606,811, A>G on the plus strand (T>C on the coding strand, the complement: ALDH18A1 is on the minus strand). VCF-style: chr10-95606811-A-G. GRCh37 (hg19) VCF-style: chr10-97366568-A-G.
Other names: c.2333T>C, p.Leu778Ser (NM_001017423.2, NM_001323415.2); c.2006T>C, p.Leu669Ser (NM_001323412.2, NM_001323416.2); c.2339T>C, p.Leu780Ser (NM_001323413.2, NM_001323414.2); c.2234T>C, p.Leu745Ser (NM_001323417.2); c.2000T>C, p.Leu667Ser (NM_001323418.2); c.1703T>C, p.Leu568Ser (NM_001323419.2); short protein forms L780S, L568S, L745S, L778S, L667S, L669S.
Identifiers: ClinVar variation 2184599 (VCV002184599.4), dbSNP rs2526671232, ClinGen allele CA377698895.